The following is an entry in ClinVar:

ClinVar aggregate classification (germline): Uncertain significance. Review status: criteria provided, multiple submitters, no conflicts (2 of 4 stars). 2 submissions from 2 submitters: Uncertain significance (2). Last evaluated 2024-10-22.

Submissions (2):

Labcorp Genetics (formerly Invitae), Labcorp
Classification: Uncertain significance. Last evaluated: 2024-10-22. Review status: criteria provided, single submitter. Criteria: Invitae Variant Classification Sherloc (09022015). Collection method: clinical testing. Allele origin: germline.
Comment: This sequence change replaces lysine, which is basic and polar, with asparagine, which is neutral and polar, at codon 1726 of the VCAN protein (p.Lys1726Asn). This variant is not present in population databases (gnomAD no frequency). This variant has not been reported in the literature in individuals affected with VCAN-related conditions. An algorithm developed to predict the effect of missense changes on protein structure and function (PolyPhen-2) suggests that this variant is likely to be tolerated. In summary, the available evidence is currently insufficient to determine the role of this variant in disease. Therefore, it has been classified as a Variant of Uncertain Significance.

Blueprint Genetics
Classification: Uncertain significance. Last evaluated: 2022-02-25. Review status: criteria provided, single submitter. Criteria: ACMG Guidelines, 2015. Collection method: clinical testing. Allele origin: germline.

NM_004385.5(VCAN):c.5178G>T (p.Lys1726Asn)

Genes: VCAN (versican; plus strand), VCAN-AS1 (VCAN antisense RNA 1; minus strand). Cytogenetic location: 5q14.3.
Variant type: single nucleotide variant.
Coding change: c.5178G>T on transcript NM_004385.5 (MANE Select); coding-DNA position 5178, G replaced by T.
Protein change: p.Lys1726Asn; replaces lysine 1726 with asparagine.
Molecular consequence: missense variant. On other transcripts: intron variant (2).
Genome position (GRCh38, 1-based): chr5:83,538,181, G>T. VCF-style: chr5-83538181-G-T. GRCh37 (hg19) VCF-style: chr5-82834000-G-T.
Other names: c.2217G>T, p.Lys739Asn (NM_001164097.2); c.4004-7356G>T (NM_001164098.2); c.1043-7356G>T (NM_001126336.3); short protein forms K739N, K1726N.
Identifiers: ClinVar variation 3723554 (VCV003723554.3).
Genomic context (GRCh38, chr5:83,538,181, plus strand): 5'-AAGTGAAACAGACACTTCTGAGTGGATTTCCAGTACCACTGTTGAGGAAAAGAAAAGGAA[G>T]GAGGAGGAGGGAACTACAGGTACGGCTTCTACATTTGAGGTATATTCATCTACACAGAGA-3'
Protein context (NP_004376.2, residues 1716-1736): SSTTVEEKKR[Lys1726Asn]EEEGTTGTAS